The following is an entry in ClinVar:

ClinVar aggregate classification (germline): Uncertain significance (1 of 4 stars; one submission).

Allele frequency attached by ClinVar (database versions not stated): gnomAD 0.00001; TOPMed 0.00002.
gnomAD v4.1: 11 of 1,511,842 alleles (0.00073%); highest among the groups gnomAD compares: Middle Eastern, 0.022%; no homozygotes.

Submission:

Labcorp Genetics (formerly Invitae), Labcorp
Classification: Uncertain significance. Last evaluated: 2022-04-21. Review status: criteria provided, single submitter. Criteria: Invitae Variant Classification Sherloc (09022015). Collection method: clinical testing. Allele origin: germline.
Comment: This sequence change replaces proline, which is neutral and non-polar, with serine, which is neutral and polar, at codon 76 of the HPS6 protein (p.Pro76Ser). This variant is not present in population databases (gnomAD no frequency). This variant has not been reported in the literature in individuals affected with HPS6-related conditions. Algorithms developed to predict the effect of missense changes on protein structure and function output the following: SIFT: "Tolerated"; PolyPhen-2: "Benign"; Align-GVGD: "Class C0". The serine amino acid residue is found in multiple mammalian species, which suggests that this missense change does not adversely affect protein function. In summary, the available evidence is currently insufficient to determine the role of this variant in disease. Therefore, it has been classified as a Variant of Uncertain Significance.

NM_024747.6(HPS6):c.226C>T (p.Pro76Ser)

Genes: HPS6 (HPS6 biogenesis of lysosomal organelles complex 2 subunit 3; plus strand), LOC130004578 (ATAC-STARR-seq lymphoblastoid silent region 2738; plus strand). Cytogenetic location: 10q24.32.
Variant type: single nucleotide variant.
Coding change: c.226C>T on transcript NM_024747.6 (MANE Select); coding-DNA position 226, C replaced by T.
Protein change: p.Pro76Ser; replaces proline 76 with serine.
Molecular consequence: missense variant.
Genome position (GRCh38, 1-based): chr10:102,065,700, C>T. VCF-style: chr10-102065700-C-T. GRCh37 (hg19) VCF-style: chr10-103825457-C-T.
Other names: short protein forms P76S.
Identifiers: ClinVar variation 1473662 (VCV001473662.3), dbSNP rs1331719815, ClinGen allele CA377855358.